The following is an entry in ClinVar:

NM_032043.3(BRIP1):c.1817A>G (p.Lys606Arg)

Gene: BRIP1 (BRCA1 interacting DNA helicase 1; minus strand). Cytogenetic location: 17q23.2.
Variant type: single nucleotide variant.
Coding change: c.1817A>G on transcript NM_032043.3 (MANE Select); coding-DNA position 1817, A replaced by G.
Protein change: p.Lys606Arg; replaces lysine 606 with arginine.
Molecular consequence: missense variant.
Genome position (GRCh38, 1-based): chr17:61,780,379, T>C on the plus strand (A>G on the coding strand, the complement: BRIP1 is on the minus strand). VCF-style: chr17-61780379-T-C. GRCh37 (hg19) VCF-style: chr17-59857740-T-C.
Other names: short protein forms K606R.
Identifiers: ClinVar variation 3228098 (VCV003228098.1), dbSNP rs2145080923, ClinGen allele CA400480184.
Genomic context (GRCh38, chr17:61,780,379, plus strand): 5'-TCTGACGAAAAGGATTTCATTGGTGATAATGTACCAGATGTCAAAACAATGGTCTGAACT[T>C]TGCCATTAATATCTGAAAAGGCCTAAAAGAAAACAACATTAGATAAATAAAATTATCTTT-3'
Protein context (NP_114432.2, residues 596-616): PAVAFSDING[Lys606Arg]VQTIVLTSGT

ClinVar aggregate classification (germline): Uncertain significance (1 of 4 stars; one submission).

Conditions:
Hereditary cancer-predisposing syndrome. Also called: Neoplastic Syndromes, Hereditary; Tumor predisposition; Hereditary neoplastic syndrome; Hereditary Cancer Syndrome. Identifiers: Orphanet 140162, MedGen C0027672, MeSH D009386, MONDO:0015356.

Submission:

Ambry Genetics
Classification: Uncertain significance for Hereditary cancer-predisposing syndrome. Last evaluated: 2024-01-11. Review status: criteria provided, single submitter. Criteria: Ambry Variant Classification Scheme 2023. Collection method: clinical testing. Allele origin: germline.
Comment: The p.K606R variant (also known as c.1817A>G), located in coding exon 12 of the BRIP1 gene, results from an A to G substitution at nucleotide position 1817. The lysine at codon 606 is replaced by arginine, an amino acid with highly similar properties. This amino acid position is conserved. In addition, this alteration is predicted to be tolerated by in silico analysis. Since supporting evidence is limited at this time, the clinical significance of this alteration remains unclear.